The following is an entry in ClinVar:

ClinVar aggregate classification (germline): Uncertain significance (1 of 4 stars; one submission).

Allele frequency attached by ClinVar (database versions not stated): gnomAD 0.00001; TOPMed 0.00001; ExAC 0.00003; gnomAD exomes 0.00005; 1000 Genomes Project 30x 0.00016; 1000 Genomes Project 0.00020.
gnomAD v4.1: 70 of 1,612,398 alleles (0.0043%); highest among the groups gnomAD compares: East Asian, 0.16%; no homozygotes.

Submission:

Labcorp Genetics (formerly Invitae), Labcorp
Classification: Uncertain significance. Last evaluated: 2023-01-23. Review status: criteria provided, single submitter. Criteria: Invitae Variant Classification Sherloc (09022015). Collection method: clinical testing. Allele origin: germline.
Comment: In summary, the available evidence is currently insufficient to determine the role of this variant in disease. Therefore, it has been classified as a Variant of Uncertain Significance. Algorithms developed to predict the effect of missense changes on protein structure and function are either unavailable or do not agree on the potential impact of this missense change (SIFT: "Deleterious"; PolyPhen-2: "Benign"; Align-GVGD: "Class C0"). This variant has not been reported in the literature in individuals affected with KIF20A-related conditions. This variant is present in population databases (rs201005105, gnomAD 0.03%). This sequence change replaces histidine, which is basic and polar, with tyrosine, which is neutral and polar, at codon 610 of the KIF20A protein (p.His610Tyr).

NM_005733.3(KIF20A):c.1828C>T (p.His610Tyr)

Gene: KIF20A (kinesin family member 20A; plus strand). Cytogenetic location: 5q31.2.
Variant type: single nucleotide variant.
Coding change: c.1828C>T on transcript NM_005733.3 (MANE Select); coding-DNA position 1828, C replaced by T.
Protein change: p.His610Tyr; replaces histidine 610 with tyrosine.
Molecular consequence: missense variant.
Genome position (GRCh38, 1-based): chr5:138,185,099, C>T. VCF-style: chr5-138185099-C-T. GRCh37 (hg19) VCF-style: chr5-137520788-C-T.
Other names: short protein forms H610Y.
Identifiers: ClinVar variation 2986957 (VCV002986957.3), dbSNP rs201005105, ClinGen allele CA3426738.